The following is an entry in ClinVar:

ClinVar aggregate classification (germline): Uncertain significance (1 of 4 stars; one submission).

Submission:

Labcorp Genetics (formerly Invitae), Labcorp
Classification: Uncertain significance. Last evaluated: 2024-10-24. Review status: criteria provided, single submitter. Criteria: Invitae Variant Classification Sherloc (09022015). Collection method: clinical testing. Allele origin: germline.
Comment: This sequence change affects codon 406 of the DNA2 mRNA. It is a 'silent' change, meaning that it does not change the encoded amino acid sequence of the DNA2 protein. This variant is present in population databases (rs774207032, gnomAD 0.004%). This variant has not been reported in the literature in individuals affected with DNA2-related conditions. Algorithms developed to predict the effect of sequence changes on RNA splicing suggest that this variant may disrupt the consensus splice site. In summary, the available evidence is currently insufficient to determine the role of this variant in disease. Therefore, it has been classified as a Variant of Uncertain Significance.

NM_001080449.3(DNA2):c.1218C>T (p.Ser406=)

Gene: DNA2 (DNA replication helicase/nuclease 2; minus strand). Cytogenetic location: 10q21.3.
Variant type: single nucleotide variant.
Coding change: c.1218C>T on transcript NM_001080449.3 (MANE Select); coding-DNA position 1218, C replaced by T.
Protein change: p.Ser406=; no amino-acid change (serine 406 retained).
Molecular consequence: synonymous variant. On other transcripts: non-coding transcript variant (1).
Genome position (GRCh38, 1-based): chr10:68,444,923, G>A on the plus strand (C>T on the coding strand, the complement: DNA2 is on the minus strand). VCF-style: chr10-68444923-G-A. GRCh37 (hg19) VCF-style: chr10-70204680-G-A.
Identifiers: ClinVar variation 3620411 (VCV003620411.2).
Genomic context (GRCh38, chr10:68,444,923, plus strand): 5'-CGTATTTAGTTGAGTTCATACTCAACTAGAAATAATGCCTTTGGTAGACAATATTTACCT[G>A]CTATAAAGAGCACAATTGCCAATTTGTGAACAATATTTACAAGTTTTCTCTTCCTCAATT-3'
Protein context (NP_001073918.2, residues 396-416): CSQIGNCALY[Ser406=]RAVEQQMDCS